The following is an entry in ClinVar:

NM_007118.4(TRIO):c.2692C>A (p.Gln898Lys)

Gene: TRIO (trio Rho guanine nucleotide exchange factor; plus strand). Cytogenetic location: 5p15.2.
Variant type: single nucleotide variant.
Coding change: c.2692C>A on transcript NM_007118.4 (MANE Select); coding-DNA position 2692, C replaced by A.
Protein change: p.Gln898Lys; replaces glutamine 898 with lysine.
Molecular consequence: missense variant. On other transcripts: non-coding transcript variant (1).
Genome position (GRCh38, 1-based): chr5:14,364,754, C>A. VCF-style: chr5-14364754-C-A. GRCh37 (hg19) VCF-style: chr5-14364863-C-A.
Other names: short protein forms Q898K.
Identifiers: ClinVar variation 2632099 (VCV002632099.1), dbSNP rs1057024282, ClinGen allele CA113969963.

ClinVar aggregate classification (germline): Uncertain significance (1 of 4 stars; one submission).

Conditions:
TRIO-related disorder. Also called: TRIO-related condition; TRIO-related disorders.

Allele frequency attached by ClinVar (database versions not stated): gnomAD 0.00001; gnomAD exomes 0.00001; TOPMed 0.00001.
gnomAD v4.1: 13 of 1,612,474 alleles (0.00081%); highest among the groups gnomAD compares: African/African-American, 0.0013%; no homozygotes.

Submission:

PreventionGenetics, part of Exact Sciences
Classification: Uncertain significance for TRIO-related condition. Last evaluated: 2023-08-03. Review status: criteria provided, single submitter. Criteria: ACMG Guidelines, 2015. Collection method: clinical testing. Allele origin: germline.
Comment: The TRIO c.2692C>A variant is predicted to result in the amino acid substitution p.Gln898Lys. To our knowledge, this variant has not been reported in the literature. This variant is reported in 0.0018% of alleles in individuals of European (Non-Finnish) descent in gnomAD. At this time, the clinical significance of this variant is uncertain due to the absence of conclusive functional and genetic evidence.